The following is an entry in ClinVar:

NM_000231.3(SGCG):c.*136T>A

Gene: SGCG (sarcoglycan gamma; plus strand). Cytogenetic location: 13q12.12.
Variant type: single nucleotide variant.
Coding change: c.*136T>A on transcript NM_000231.3 (MANE Select); 136 bases downstream of the stop codon, T replaced by A.
Molecular consequence: 3 prime UTR variant.
Genome position (GRCh38, 1-based): chr13:23,324,677, T>A. VCF-style: chr13-23324677-T-A. GRCh37 (hg19) VCF-style: chr13-23898816-T-A.
Other names: c.*136T>A (NM_001378244.1, NM_001378245.1, NM_001378246.1).
Identifiers: ClinVar variation 311483 (VCV000311483.8), dbSNP rs3751372, ClinGen allele CA10639171.

ClinVar aggregate classification (germline): Benign/Likely benign. Review status: criteria provided, multiple submitters, no conflicts (2 of 4 stars). 2 submissions from 2 submitters: Benign (1); Likely benign (1). Last evaluated 2018-07-26.

Conditions:
Sarcoglycanopathy. Identifiers: Orphanet 207052, MedGen C2936331, MONDO:0016140.

Allele frequency attached by ClinVar (database versions not stated): TOPMed 0.01511; 1000 Genomes Project 30x 0.01686; 1000 Genomes Project 0.01797.
gnomAD v4.1: 6,434 of 769,156 alleles (0.84%); highest among the groups gnomAD compares: African/African-American, 3.5%; 78 homozygotes.

Submissions (2):

GeneDx
Classification: Likely benign. Last evaluated: 2018-07-26. Review status: criteria provided, single submitter. Criteria: GeneDx Variant Classification Process June 2021. Collection method: clinical testing. Allele origin: germline. Affected: yes.

Illumina Laboratory Services, Illumina
Classification: Benign for Sarcoglycanopathy. Last evaluated: 2018-01-13. Review status: criteria provided, single submitter. Criteria: ICSL Variant Classification Criteria 13 December 2019. Collection method: clinical testing. Allele origin: germline.
Comment: This variant was observed in the ICSL laboratory as part of a predisposition screen in an ostensibly healthy population. It had not been previously curated by ICSL or reported in the Human Gene Mutation Database (HGMD: prior to June 1st, 2018), and was therefore a candidate for classification through an automated scoring system. Utilizing variant allele frequency, disease prevalence and penetrance estimates, and inheritance mode, an automated score was calculated to assess if this variant is too frequent to cause the disease. Based on the score and internal cut-off values, a variant classified as benign is not then subjected to further curation. The score for this variant resulted in a classification of benign for this disease.